The following is an entry in ClinVar:

ClinVar aggregate classification (germline): Uncertain significance (1 of 4 stars; one submission).

Conditions:
MTOR-related disorder. Also called: MTOR-related condition.

Submission:

PreventionGenetics, part of Exact Sciences
Classification: Uncertain significance for MTOR-related condition. Last evaluated: 2025-10-24. Review status: criteria provided, single submitter. Criteria: ACMG Guidelines, 2015. Collection method: clinical testing. Allele origin: germline.
Comment: The MTOR c.1817G>C variant is predicted to result in the amino acid substitution p.Cys606Ser. To our knowledge, this variant has not been reported in the literature or in a large population database (gnomAD), indicating this variant is rare. However, a different variant at the same amino acid residue, p.Cys606Arg, has been reported de novo in an individual with phenotypes related to Smith-Kingsmore syndrome, such as macrocephaly, developmental delay, hypotonia, and brain abnormalities (Table S1, Liu et al. 2024. PubMed ID: 39030910). This variant is located within the HEAT domain which is implicated in protein-protein interactions of the mTOR complex (Liu et al. 2024. PubMed ID: 39030910). Although we suspect that this variant may be pathogenic, at this time, the clinical significance of this variant is uncertain due to the absence of conclusive functional and genetic evidence.

NM_004958.4(MTOR):c.1817G>C (p.Cys606Ser)

Gene: MTOR (mechanistic target of rapamycin kinase; minus strand). Cytogenetic location: 1p36.22.
Variant type: single nucleotide variant.
Coding change: c.1817G>C on transcript NM_004958.4 (MANE Select); coding-DNA position 1817, G replaced by C.
Protein change: p.Cys606Ser; replaces cysteine 606 with serine.
Molecular consequence: missense variant.
Genome position (GRCh38, 1-based): chr1:11,238,587, C>G on the plus strand (G>C on the coding strand, the complement: MTOR is on the minus strand). VCF-style: chr1-11238587-C-G. GRCh37 (hg19) VCF-style: chr1-11298644-C-G.
Other names: c.1817G>C, p.Cys606Ser (NM_001386500.1); c.569G>C, p.Cys190Ser (NM_001386501.1); short protein forms C606S, C190S.
Identifiers: ClinVar variation 4998750 (VCV004998750.1).